The following is an entry in ClinVar:

NM_000071.3(CBS):c.1500G>A (p.Ser500=)

Gene: CBS (cystathionine beta-synthase; minus strand). Cytogenetic location: 21q22.3.
Variant type: single nucleotide variant.
Coding change: c.1500G>A on transcript NM_000071.3 (MANE Select); coding-DNA position 1500, G replaced by A.
Protein change: p.Ser500=; no amino-acid change (serine 500 retained).
Molecular consequence: synonymous variant.
Genome position (GRCh38, 1-based): chr21:43,056,855, C>T on the plus strand (G>A on the coding strand, the complement: CBS is on the minus strand). VCF-style: chr21-43056855-C-T. GRCh37 (hg19) VCF-style: chr21-44476965-C-T.
Other names: c.1500G>A, p.Ser500= (NM_001178008.3, NM_001178009.3, NM_001320298.2); c.1185G>A, p.Ser395= (NM_001321072.1).
Identifiers: ClinVar variation 387779 (VCV000387779.18), dbSNP rs1057522901, ClinGen allele CA16608077.

ClinVar aggregate classification (germline): Likely benign. Review status: criteria provided, multiple submitters, no conflicts (2 of 4 stars). 5 submissions from 5 submitters: Likely benign (5). Last evaluated 2025-12-26.

Conditions:
HYPERHOMOCYSTEINEMIA, THROMBOTIC, CBS-RELATED. Identifiers: MedGen C3150344, OMIM 236200.
Familial thoracic aortic aneurysm and aortic dissection (TAAD). Also called: Thoracic aortic aneurysms and dissections. Identifiers: Orphanet 91387, MedGen C4707243, MONDO:0019625.

Submissions (5):

Labcorp Genetics (formerly Invitae), Labcorp
Classification: Likely benign for HYPERHOMOCYSTEINEMIA, THROMBOTIC, CBS-RELATED. Last evaluated: 2025-12-26. Review status: criteria provided, single submitter. Criteria: Invitae Variant Classification Sherloc (09022015). Collection method: clinical testing. Allele origin: germline.

Blueprint Genetics
Classification: Likely benign. Last evaluated: 2023-10-09. Review status: criteria provided, single submitter. Criteria: ACMG Guidelines, 2015. Collection method: clinical testing. Allele origin: germline.

Ambry Genetics
Classification: Likely benign for Familial thoracic aortic aneurysm and aortic dissection. Last evaluated: 2022-05-30. Review status: criteria provided, single submitter. Criteria: Ambry Variant Classification Scheme 2023. Collection method: clinical testing. Allele origin: germline.

ARUP Laboratories, Molecular Genetics and Genomics, ARUP Laboratories
Classification: Likely benign. Last evaluated: 2019-01-16. Review status: criteria provided, single submitter. Criteria: ARUP Molecular Germline Variant Investigation Process. Collection method: clinical testing. Allele origin: germline.

GeneDx
Classification: Likely benign. Last evaluated: 2016-07-14. Review status: criteria provided, single submitter. Criteria: GeneDx Variant Classification (06012015). Collection method: clinical testing. Allele origin: germline. Affected: yes.
Comment: This variant is considered likely benign or benign based on one or more of the following criteria: it is a conservative change, it occurs at a poorly conserved position in the protein, it is predicted to be benign by multiple in silico algorithms, and/or has population frequency not consistent with disease.